The following is an entry in ClinVar:

NM_000548.5(TSC2):c.1362-4G>A

Gene: TSC2 (TSC complex subunit 2; plus strand). Cytogenetic location: 16p13.3.
Variant type: single nucleotide variant.
Coding change: c.1362-4G>A on transcript NM_000548.5 (MANE Select); 4 bases into the intron before coding-DNA position 1362, G replaced by A.
Molecular consequence: intron variant.
Genome position (GRCh38, 1-based): chr16:2,062,968, G>A. VCF-style: chr16-2062968-G-A. GRCh37 (hg19) VCF-style: chr16-2112969-G-A.
Other names: c.1362-4G>A (NM_001114382.3, NM_021055.3, NM_001370405.1 and 3 more transcripts); c.1251-4G>A (NM_001318827.2); c.762-4G>A (NM_001318831.2); c.1215-4G>A (NM_001318829.2); c.1395-4G>A (NM_001318832.2).
Identifiers: ClinVar variation 65195 (VCV000065195.56), dbSNP rs397515145, ClinGen allele CA014574.
Genomic context (GRCh38, chr16:2,062,968, plus strand): 5'-ACGGGCTGGTGTGGGGCTGTGGCCGGGCACTCCCCACCCGCCCCAGCAGGCTGCCGTCCC[G>A]CAGGAGCGAGTCCCGAGGCGCCGTGCGCATCAAGGTGCTGGACGTGCTGTCCTTTGTGCT-3'

ClinVar aggregate classification (germline): Benign/Likely benign. Review status: criteria provided, multiple submitters, no conflicts (2 of 4 stars). 12 submissions from 12 submitters: Benign (1); Likely benign (8). 3 of the submissions do not count toward it. Last evaluated 2025-12-23.

Conditions:
Hereditary cancer-predisposing syndrome. Also called: Hereditary Cancer Syndrome; Tumor predisposition; Neoplastic Syndromes, Hereditary; Hereditary neoplastic syndrome. Identifiers: Orphanet 140162, MedGen C0027672, MeSH D009386, MONDO:0015356.
Tuberous sclerosis syndrome (TSC). Also called: Tuberous Sclerosis Complex; Tuberous sclerosis. Identifiers: Orphanet 805, MedGen C0041341, MONDO:0001734.
Tuberous sclerosis 2 (TSC2). Identifiers: Orphanet 805, MedGen C1860707, MONDO:0013199, OMIM 613254.

Allele frequency attached by ClinVar (database versions not stated): TOPMed 0.00002.
gnomAD v4.1: 46 of 1,549,886 alleles (0.003%); highest among the groups gnomAD compares: South Asian, 0.018%; no homozygotes.

Submissions (12):

Labcorp Genetics (formerly Invitae), Labcorp
Classification: Benign for Tuberous sclerosis 2. Last evaluated: 2025-12-23. Review status: criteria provided, single submitter. Criteria: Invitae Variant Classification Sherloc (09022015). Collection method: clinical testing. Allele origin: germline.

CeGaT Center for Human Genetics Tuebingen
Classification: Likely benign. Last evaluated: 2025-12-01. Review status: criteria provided, single submitter. Criteria: CeGaT Center For Human Genetics Tuebingen Variant Classification Criteria Version 2. Collection method: clinical testing. Allele origin: germline. Affected: yes. Observed: 2 variant alleles.
Comment: TSC2: BP4

Myriad Genetics, Inc.
Classification: Likely benign for Tuberous sclerosis 2. Last evaluated: 2025-05-14. Review status: criteria provided, single submitter. Criteria: Myriad Autosomal Dominant, Autosomal Recessive and X-Linked Classification Criteria (2023). Collection method: clinical testing. Allele origin: unknown.
Comment: This variant is considered likely benign. This variant is intronic and is not expected to impact mRNA splicing.

Blueprint Genetics
Classification: Likely benign. Last evaluated: 2023-10-23. Review status: criteria provided, single submitter. Criteria: ACMG Guidelines, 2015. Collection method: clinical testing. Allele origin: germline.

All of Us Research Program, National Institutes of Health
Classification: Likely benign for Tuberous sclerosis syndrome. Last evaluated: 2023-06-26. Review status: criteria provided, single submitter. Criteria: ACMG Guidelines, 2015. Collection method: clinical testing. Allele origin: germline. Inheritance: Autosomal dominant inheritance. Observed: 4 variant alleles, 4 heterozygotes.
Comment: This study involves interpretation of variants in research participants for the purpose of population health screening. Participant phenotype was not available at the time of variant classification. Additional details can be found in publication PMID: 35346344, PMCID: PMC8962531

Genome-Nilou Lab
Classification: Likely benign for Tuberous sclerosis 2. Last evaluated: 2021-11-07. Review status: criteria provided, single submitter. Criteria: ACMG Guidelines, 2015. Collection method: clinical testing. Allele origin: germline. Affected: no.

Ambry Genetics
Classification: Likely benign for Hereditary cancer-predisposing syndrome. Last evaluated: 2021-09-20. Review status: criteria provided, single submitter. Criteria: Ambry Variant Classification Scheme 2023. Collection method: clinical testing. Allele origin: germline.

GeneDx
Classification: Likely benign. Last evaluated: 2017-07-17. Review status: criteria provided, single submitter. Criteria: GeneDx Variant Classification (06012015). Collection method: clinical testing. Allele origin: germline. Affected: yes.
Comment: This variant is considered likely benign or benign based on one or more of the following criteria: it is a conservative change, it occurs at a poorly conserved position in the protein, it is predicted to be benign by multiple in silico algorithms, and/or has population frequency not consistent with disease.

PreventionGenetics, part of Exact Sciences
Classification: Likely benign. Review status: criteria provided, single submitter. Criteria: ACMG Guidelines, 2015. Collection method: clinical testing. Allele origin: germline.

Clinical Genetics DNA and cytogenetics Diagnostics Lab, Erasmus MC, Erasmus Medical Center
Classification: Benign. Review status: no assertion criteria provided. Collection method: clinical testing. Allele origin: germline. Affected: yes. Study: VKGL Data-share Consensus. Not counted in ClinVar's aggregate classification.

Genome Diagnostics Laboratory, Amsterdam University Medical Center
Classification: Likely benign. Review status: no assertion criteria provided. Collection method: clinical testing. Allele origin: germline. Affected: yes. Study: VKGL Data-share Consensus. Not counted in ClinVar's aggregate classification.

Tuberous sclerosis database (TSC2)
No classification provided. Condition: TSC. Review status: no classification provided. Criteria: Tuberous Sclerosis Database Assertion Criteria 2015. Collection method: curation. Allele origin: germline. Affected: yes. Not counted in ClinVar's aggregate classification.